The following is an entry in ClinVar:

ClinVar aggregate classification (germline): Conflicting classifications of pathogenicity. Review status: criteria provided, conflicting classifications (1 of 4 stars). 7 submissions from 7 submitters: Uncertain significance (5); Benign (1); Likely benign (1). Last evaluated 2026-03-11.

Conditions:
BMPR1A-related disorder. Also called: BMPR1A-related condition.
Juvenile polyposis syndrome (JPS). Identifiers: Orphanet 2929, MedGen C0345893, MONDO:0017380, OMIM 174900.
Hereditary cancer-predisposing syndrome. Also called: Tumor predisposition; Neoplastic Syndromes, Hereditary; Hereditary neoplastic syndrome; Hereditary Cancer Syndrome. Identifiers: Orphanet 140162, MedGen C0027672, MeSH D009386, MONDO:0015356.
Polyposis syndrome, hereditary mixed, 2. Identifiers: Orphanet 157794, MedGen C1864730, MONDO:0012405, OMIM 610069.

Allele frequency attached by ClinVar (database versions not stated): ExAC 0.00001; gnomAD exomes 0.00001; TOPMed 0.00001.
gnomAD v4.1: 16 of 1,613,748 alleles (0.00099%); highest among the groups gnomAD compares: South Asian, 0.0055%; no homozygotes.

Submissions (7):

PreventionGenetics, part of Exact Sciences
Classification: Uncertain significance for BMPR1A-related condition. Last evaluated: 2026-03-11. Review status: criteria provided, single submitter. Criteria: ACMG Guidelines, 2015. Collection method: clinical testing. Allele origin: germline.
Comment: The BMPR1A c.559C>T variant is predicted to result in the amino acid substitution p.Arg187Cys. To our knowledge, this variant has not been reported in the literature. This variant is reported in 0.0098% of alleles in individuals of South Asian descent in gnomAD. This variant has conflicting interpretations in ClinVar ranging from uncertain to benign (Variation ID: 142098). At this time, the clinical significance of this variant is uncertain due to the absence of conclusive functional and genetic evidence.

Labcorp Genetics (formerly Invitae), Labcorp
Classification: Uncertain significance for Juvenile polyposis syndrome. Last evaluated: 2025-11-21. Review status: criteria provided, single submitter. Criteria: Invitae Variant Classification Sherloc (09022015). Collection method: clinical testing. Allele origin: germline.
Comment: This sequence change replaces arginine, which is basic and polar, with cysteine, which is neutral and slightly polar, at codon 187 of the BMPR1A protein (p.Arg187Cys). This variant is present in population databases (rs587782231, gnomAD 0.01%). This variant has not been reported in the literature in individuals affected with BMPR1A-related conditions. ClinVar contains an entry for this variant (Variation ID: 142098). Invitae Evidence Modeling incorporating data from in vitro experimental studies (internal data) indicates that this missense variant is not expected to disrupt BMPR1A function with a negative predictive value of 95%. In summary, the available evidence is currently insufficient to determine the role of this variant in disease. Therefore, it has been classified as a Variant of Uncertain Significance.

Quest Diagnostics Nichols Institute San Juan Capistrano
Classification: Uncertain significance. Last evaluated: 2025-09-03. Review status: criteria provided, single submitter. Criteria: Quest Diagnostics criteria. Collection method: clinical testing. Allele origin: unknown.
Comment: The BMPR1A c.559C>T (p.Arg187Cys) variant has not been reported in individuals with BMPR1A-related conditions in the published literature. The frequency of this variant in the general population (Genome Aggregation Database) is higher than would generally be expected for pathogenic variants in this gene. Analysis of this variant using bioinformatics tools for the prediction of the effect of amino acid changes on protein structure and function yielded predictions that this variant is benign. Based on the available information, we are unable to determine the clinical significance of this variant.

Color Diagnostics, LLC DBA Color Health
Classification: Likely benign for Hereditary cancer-predisposing syndrome. Last evaluated: 2025-02-17. Review status: criteria provided, single submitter. Criteria: ACMG Guidelines, 2015. Collection method: clinical testing. Allele origin: germline.

Baylor Genetics
Classification: Uncertain significance for Polyposis syndrome, hereditary mixed, 2. Last evaluated: 2024-03-03. Review status: criteria provided, single submitter. Criteria: ACMG Guidelines, 2015. Collection method: clinical testing. Allele origin: unknown.

GeneDx
Classification: Uncertain significance. Last evaluated: 2023-06-21. Review status: criteria provided, single submitter. Criteria: GeneDx Variant Classification Process June 2021. Collection method: clinical testing. Allele origin: germline. Affected: yes.
Comment: Not observed at significant frequency in large population cohorts (gnomAD); In silico analysis supports that this missense variant does not alter protein structure/function; Has not been previously published as pathogenic or benign to our knowledge

Ambry Genetics
Classification: Benign for Hereditary cancer-predisposing syndrome. Last evaluated: 2021-06-11. Review status: criteria provided, single submitter. Criteria: Ambry Variant Classification Scheme 2023. Collection method: clinical testing. Allele origin: germline.

NM_004329.3(BMPR1A):c.559C>T (p.Arg187Cys)

Gene: BMPR1A (bone morphogenetic protein receptor type 1A; plus strand). Cytogenetic location: 10q23.2.
Variant type: single nucleotide variant.
Coding change: c.559C>T on transcript NM_004329.3 (MANE Select); coding-DNA position 559, C replaced by T.
Protein change: p.Arg187Cys; replaces arginine 187 with cysteine.
Molecular consequence: missense variant.
Genome position (GRCh38, 1-based): chr10:86,912,268, C>T. VCF-style: chr10-86912268-C-T. GRCh37 (hg19) VCF-style: chr10-88672025-C-T.
Other names: short protein forms R187C.
Identifiers: ClinVar variation 142098 (VCV000142098.25), dbSNP rs587782231, ClinGen allele CA167393.
Genomic context (GRCh38, chr10:86,912,268, plus strand): 5'-TTAATGTAGATTGTTTTCTGCTTTTTTAAAAGACATTATTGCAAGAGCATCTCAAGCAGA[C>T]GTCGTTACAATCGTGATTTGGAACAGGATGAAGCATTTATTCCAGTTGGAGAATCACTAA-3'
Protein context (NP_004320.2, residues 177-197): KHYCKSISSR[Arg187Cys]RYNRDLEQDE